The following is an entry in ClinVar:

ClinVar aggregate classification (germline): Uncertain significance (1 of 4 stars; one submission).

Conditions:
Charcot-Marie-Tooth disease type 2. Also called: Charcot-Marie-Tooth type 2. Identifiers: Orphanet 64746, MedGen C0270914, MONDO:0018993.

Allele frequency attached by ClinVar (database versions not stated): gnomAD 0.00001.
gnomAD v4.1: 1 of 1,613,030 alleles (0.000062%); highest among the groups gnomAD compares: Admixed American, 0.0017%; no homozygotes.

Submission:

Labcorp Genetics (formerly Invitae), Labcorp
Classification: Uncertain significance for Charcot-Marie-Tooth disease type 2. Last evaluated: 2022-07-05. Review status: criteria provided, single submitter. Criteria: Invitae Variant Classification Sherloc (09022015). Collection method: clinical testing. Allele origin: germline.
Comment: This sequence change falls in intron 5 of the MED25 gene. It does not directly change the encoded amino acid sequence of the MED25 protein. It affects a nucleotide within the consensus splice site. This variant is not present in population databases (gnomAD no frequency). This variant has not been reported in the literature in individuals affected with MED25-related conditions. ClinVar contains an entry for this variant (Variation ID: 847773). Variants that disrupt the consensus splice site are a relatively common cause of aberrant splicing (PMID: 17576681, 9536098). Algorithms developed to predict the effect of sequence changes on RNA splicing suggest that this variant is not likely to affect RNA splicing. In summary, the available evidence is currently insufficient to determine the role of this variant in disease. Therefore, it has been classified as a Variant of Uncertain Significance.

Literature cited by the submitters: PubMed 17576681; PubMed 9536098.

NM_030973.4(MED25):c.525+6G>A

Gene: MED25 (mediator complex subunit 25; plus strand). Cytogenetic location: 19q13.33.
Variant type: single nucleotide variant.
Coding change: c.525+6G>A on transcript NM_030973.4 (MANE Select); 6 bases into the intron after coding-DNA position 525, G replaced by A.
Molecular consequence: intron variant.
Genome position (GRCh38, 1-based): chr19:49,829,096, G>A. VCF-style: chr19-49829096-G-A. GRCh37 (hg19) VCF-style: chr19-50332353-G-A.
Other names: c.525+6G>A (NM_001378355.1).
Identifiers: ClinVar variation 847773 (VCV000847773.7), dbSNP rs1012023208, ClinGen allele CA309513027.